The following is an entry in ClinVar:

ClinVar aggregate classification (germline): Pathogenic (1 of 4 stars; one submission).

Submission:

Labcorp Genetics (formerly Invitae), Labcorp
Classification: Pathogenic. Last evaluated: 2023-07-29. Review status: criteria provided, single submitter. Criteria: Invitae Variant Classification Sherloc (09022015). Collection method: clinical testing. Allele origin: germline.
Comment: This sequence change creates a premature translational stop signal (p.Gly408Valfs*25) in the GPAA1 gene. It is expected to result in an absent or disrupted protein product. Loss-of-function variants in GPAA1 are known to be pathogenic (PMID: 29100095). For these reasons, this variant has been classified as Pathogenic. This variant has not been reported in the literature in individuals affected with GPAA1-related conditions. This variant is not present in population databases (gnomAD no frequency).

Literature cited by the submitters: PubMed 29100095.

NM_003801.4(GPAA1):c.1223del (p.Gly408fs)

Gene: GPAA1 (glycosylphosphatidylinositol anchor attachment 1; plus strand). Cytogenetic location: 8q24.3.
Variant type: Deletion.
Coding change: c.1223del on transcript NM_003801.4 (MANE Select); coding-DNA position 1223, one base deleted (G; older notation c.1223delG).
Protein change: p.Gly408fs; shifts the reading frame from glycine 408.
Molecular consequence: frameshift variant.
Genome position (GRCh38, 1-based): chr8:144,085,101, G deleted; the last of 5 consecutive G bases (chr8:144,085,097-144,085,101); deleting any one gives the same sequence. VCF-style (leftmost placement, unchanged base first): chr8-144085096-CG-C. GRCh37 (hg19) VCF-style: chr8-145139999-CG-C.
Other names: short protein forms G408fs.
Identifiers: ClinVar variation 2748353 (VCV002748353.3), dbSNP rs782795832, ClinGen allele CA2689042090.